The following is an entry in ClinVar:

NM_021614.4(KCNN2):c.1496G>A (p.Ser499Asn)

Gene: KCNN2 (potassium calcium-activated channel subfamily N member 2; plus strand). Cytogenetic location: 5q22.3.
Variant type: single nucleotide variant.
Coding change: c.1496G>A on transcript NM_021614.4 (MANE Select); coding-DNA position 1496, G replaced by A.
Protein change: p.Ser499Asn; replaces serine 499 with asparagine.
Molecular consequence: missense variant.
Genome position (GRCh38, 1-based): chr5:114,404,715, G>A. VCF-style: chr5-114404715-G-A. GRCh37 (hg19) VCF-style: chr5-113740412-G-A.
Other names: c.1694G>A, p.Ser565Asn (NM_001372233.1); short protein forms S499N, S565N.
Identifiers: ClinVar variation 3772020 (VCV003772020.13).
Genomic context (GRCh38, chr5:114,404,715, plus strand): 5'-ATCTGATTGCCAGAGTCATGCTTTTACATAGCAAACTTTTCACTGATGCCTCCTCTAGAA[G>A]CATTGGAGCACTTAATAAGATAAACTTCAATACACGTTTTGTTATGAAGACTTTAATGAC-3'
Protein context (NP_067627.3, residues 489-509): SKLFTDASSR[Ser499Asn]IGALNKINFN

ClinVar aggregate classification (germline): Uncertain significance (1 of 4 stars; one submission).

Submission:

CeGaT Center for Human Genetics Tuebingen
Classification: Uncertain significance. Last evaluated: 2024-12-01. Review status: criteria provided, single submitter. Criteria: CeGaT Center For Human Genetics Tuebingen Variant Classification Criteria Version 2. Collection method: clinical testing. Allele origin: germline. Affected: yes. Observed: 1 variant allele.
Comment: KCNN2: PM2, PP2, PP4